The following is an entry in ClinVar:

NM_001143981.2(CHRDL1):c.105A>G (p.Thr35=)

Gene: CHRDL1 (chordin like 1; minus strand). Cytogenetic location: Xq23.
Variant type: single nucleotide variant.
Coding change: c.105A>G on transcript NM_001143981.2 (MANE Select); coding-DNA position 105, A replaced by G.
Protein change: p.Thr35=; no amino-acid change (threonine 35 retained).
Molecular consequence: synonymous variant. On other transcripts: non-coding transcript variant (1).
Genome position (GRCh38, 1-based): chrX:110,762,797, T>C on the plus strand (A>G on the coding strand, the complement: CHRDL1 is on the minus strand). VCF-style: chrX-110762797-T-C. GRCh37 (hg19) VCF-style: chrX-110006025-T-C.
Other names: c.105A>G, p.Thr35= (NM_001143982.2, NM_001143983.3, NM_001367204.1 and 6 more transcripts).
Identifiers: ClinVar variation 744646 (VCV000744646.11), dbSNP rs751250304, ClinGen allele CA10492529.
Genomic context (GRCh38, chrX:110,762,797, plus strand): 5'-TTCCAGGTAAGGATGCCATCTCTCACCCACTCTGTACTTCTTGTCTTGAAACATGCAATA[T>C]GTCTCTGAATCTGTGAAGAAGGAGATGGAGAATATGCCTGTTAGGAAACATCAACCAAGT-3'
Protein context (NP_001137453.1, residues 25-45): GKTEQVKHSE[Thr35=]YCMFQDKKYR

ClinVar aggregate classification (germline): Likely benign. Review status: criteria provided, multiple submitters, no conflicts (2 of 4 stars). 3 submissions from 3 submitters: Likely benign (2). 1 of the submissions does not count toward it. Last evaluated 2025-08-04.

Conditions:
CHRDL1-related disorder. Also called: CHRDL1-related condition.

Allele frequency attached by ClinVar (database versions not stated): ExAC 0.00001; gnomAD exomes 0.00002; gnomAD 0.00019 and 0.00021; 1000 Genomes Project 30x 0.00021; 1000 Genomes Project 0.00026; TOPMed 0.00039.
gnomAD v4.1: 53 of 1,098,927 alleles (0.0048%); highest among the groups gnomAD compares: Admixed American, 0.067%; 1 homozygote.

Submissions (3):

Labcorp Genetics (formerly Invitae), Labcorp
Classification: Likely benign. Last evaluated: 2025-08-04. Review status: criteria provided, single submitter. Criteria: Invitae Variant Classification Sherloc (09022015). Collection method: clinical testing. Allele origin: germline.

Breakthrough Genomics
Classification: Likely benign. Review status: criteria provided, single submitter. Criteria: ACMG Guidelines, 2015. Collection method: not provided. Allele origin: germline. Inheritance: X-linked inheritance. Affected: yes.

PreventionGenetics, part of Exact Sciences
Classification: Likely benign for CHRDL1-related condition. Last evaluated: 2019-02-28. Review status: no assertion criteria provided. Collection method: clinical testing. Allele origin: germline. Not counted in ClinVar's aggregate classification.
Comment: This variant is classified as likely benign based on ACMG/AMP sequence variant interpretation guidelines (Richards et al. 2015 PMID: 25741868, with internal and published modifications).